The following is an entry in ClinVar:

NM_001385125.1(OPN1SW):c.919-1G>A

Genes: CALU (calumenin; plus strand), OPN1SW (opsin 1, short wave sensitive; minus strand). Cytogenetic location: 7q32.1.
Variant type: single nucleotide variant.
Coding change: c.919-1G>A on transcript NM_001385125.1 (MANE Select); the canonical splice acceptor site of the intron before coding-DNA position 919, G replaced by A.
Molecular consequence: splice acceptor variant. On other transcripts: 3 prime UTR variant (5), non-coding transcript variant (1).
Genome position (GRCh38, 1-based): chr7:128,772,660, C>T on the plus strand (G>A on the coding strand, the complement: OPN1SW is on the minus strand). VCF-style: chr7-128772660-C-T. GRCh37 (hg19) VCF-style: chr7-128412714-C-T.
Other names: c.*3493C>T (NM_001130674.3, NM_001199671.2, NM_001199672.2 and 1 more transcripts); c.*3566C>T (NM_001199673.2).
Identifiers: ClinVar variation 3608656 (VCV003608656.2).
Genomic context (GRCh38, chr7:128,772,660, plus strand): 5'-TGTGTCGGATTCATCTGTCATGGCCTTCCCACACACCATCTTCATGATGCAAGCTTGGAA[C>T]TGGAGAGAAAGGTACAATTGGAGATAACCTTGGCAGATGAGGAAGTATGGGAAAAAAGAC-3'

ClinVar aggregate classification (germline): Uncertain significance (1 of 4 stars; one submission).

gnomAD v4.1: 37 of 1,613,924 alleles (0.0023%); highest among the groups gnomAD compares: Non-Finnish European, 0.0029%; no homozygotes.

Submission:

Labcorp Genetics (formerly Invitae), Labcorp
Classification: Uncertain significance. Last evaluated: 2024-11-27. Review status: criteria provided, single submitter. Criteria: Invitae Variant Classification Sherloc (09022015). Collection method: clinical testing. Allele origin: germline.
Comment: This sequence change falls in intron 4 of the OPN1SW gene. It does not directly change the encoded amino acid sequence of the OPN1SW protein. It affects a nucleotide within the consensus splice site. This variant is present in population databases (rs771601968, gnomAD 0.003%). This variant has not been reported in the literature in individuals affected with OPN1SW-related conditions. Variants that disrupt the consensus splice site are a relatively common cause of aberrant splicing (PMID: 17576681, 9536098). Algorithms developed to predict the effect of sequence changes on RNA splicing suggest that this variant may disrupt the consensus splice site. In summary, the available evidence is currently insufficient to determine the role of this variant in disease. Therefore, it has been classified as a Variant of Uncertain Significance.

Literature cited by the submitters: PubMed 17576681; PubMed 9536098.